The following is an entry in ClinVar:

NM_000489.6(ATRX):c.1509A>T (p.Gln503His)

Gene: ATRX (ATRX chromatin remodeler; minus strand). Cytogenetic location: Xq21.1.
Variant type: single nucleotide variant.
Coding change: c.1509A>T on transcript NM_000489.6 (MANE Select); coding-DNA position 1509, A replaced by T.
Protein change: p.Gln503His; replaces glutamine 503 with histidine.
Molecular consequence: missense variant.
Genome position (GRCh38, 1-based): chrX:77,683,747, T>A on the plus strand (A>T on the coding strand, the complement: ATRX is on the minus strand). VCF-style: chrX-77683747-T-A. GRCh37 (hg19) VCF-style: chrX-76939239-T-A.
Other names: c.1509A>T (NM_000489.3); c.1395A>T, p.Gln465His (NM_138270.5); short protein forms Q465H, Q503H.
Identifiers: ClinVar variation 1439121 (VCV001439121.6), dbSNP rs1039587651, ClinGen allele CA413717684.

ClinVar aggregate classification (germline): Uncertain significance. Review status: criteria provided, multiple submitters, no conflicts (2 of 4 stars). 2 submissions from 2 submitters: Uncertain significance (2). Last evaluated 2023-12-08.

Conditions:
Alpha thalassemia-X-linked intellectual disability syndrome (ATRX). Also called: X-linked alpha-thalassemia-mental retardation syndrome; ALPHA-THALASSEMIA/IMPAIRED INTELLECTUAL DEVELOPMENT SYNDROME, X-LINKED; ALPHA-THALASSEMIA/MENTAL RETARDATION SYNDROME, X-LINKED; ATR, NONDELETION TYPE; ATR-X syndrome; Alpha thalassemia mental retardation syndrome, nondeletion type, X-linked. Identifiers: Orphanet 847, MedGen C1845055, MONDO:0010519, OMIM 301040.
Inborn genetic diseases. Identifiers: MedGen C0950123, MeSH D030342.

Submissions (2):

Ambry Genetics
Classification: Uncertain significance for Inborn genetic diseases. Last evaluated: 2023-12-08. Review status: criteria provided, single submitter. Criteria: Ambry Variant Classification Scheme 2023. Collection method: clinical testing. Allele origin: germline.

Labcorp Genetics (formerly Invitae), Labcorp
Classification: Uncertain significance for Alpha thalassemia-X-linked intellectual disability syndrome. Last evaluated: 2022-02-02. Review status: criteria provided, single submitter. Criteria: Invitae Variant Classification Sherloc (09022015). Collection method: clinical testing. Allele origin: germline.
Comment: This sequence change replaces glutamine, which is neutral and polar, with histidine, which is basic and polar, at codon 503 of the ATRX protein (p.Gln503His). This variant is not present in population databases (gnomAD no frequency). This variant has not been reported in the literature in individuals affected with ATRX-related conditions. Advanced modeling of protein sequence and biophysical properties (such as structural, functional, and spatial information, amino acid conservation, physicochemical variation, residue mobility, and thermodynamic stability) performed at Invitae indicates that this missense variant is not expected to disrupt ATRX protein function. In summary, the available evidence is currently insufficient to determine the role of this variant in disease. Therefore, it has been classified as a Variant of Uncertain Significance.